The following is an entry in ClinVar:

NM_001035.3(RYR2):c.4094C>T (p.Ala1365Val)

Genes: RYR2 (ryanodine receptor 2; plus strand), LOC126806067 (BRD4-independent group 4 enhancer GRCh37_chr1:237753258-237754457; plus strand). Cytogenetic location: 1q43.
Variant type: single nucleotide variant.
Coding change: c.4094C>T on transcript NM_001035.3 (MANE Select); coding-DNA position 4094, C replaced by T.
Protein change: p.Ala1365Val; replaces alanine 1365 with valine.
Molecular consequence: missense variant.
Genome position (GRCh38, 1-based): chr1:237,590,926, C>T. VCF-style: chr1-237590926-C-T. GRCh37 (hg19) VCF-style: chr1-237754226-C-T.
Other names: p.A1365V:GCT>GTT; c.4094C>T, p.Ala1365Val (LRG_402t1); short protein forms A1365V.
Identifiers: ClinVar variation 201381 (VCV000201381.25), dbSNP rs373261115, ClinGen allele CA009452.

ClinVar aggregate classification (germline): Conflicting classifications of pathogenicity. Review status: criteria provided, conflicting classifications (1 of 4 stars). 11 submissions from 10 submitters: Uncertain significance (1); Benign (3); Likely benign (6). 1 of the submissions does not count toward it. Last evaluated 2026-01-31.

Conditions:
Catecholaminergic polymorphic ventricular tachycardia 1. Also called: VENTRICULAR TACHYCARDIA, CATECHOLAMINERGIC POLYMORPHIC, 1, WITH OR WITHOUT ATRIAL DYSFUNCTION AND/OR DILATED CARDIOMYOPATHY; VENTRICULAR TACHYCARDIA, STRESS-INDUCED POLYMORPHIC 1; RYR2-Related Catecholaminergic Polymorphic Ventricular Tachycardia. Identifiers: Orphanet 3286, MedGen C1631597, MONDO:0011484, OMIM 604772.
Ventricular arrhythmias due to cardiac ryanodine receptor calcium release deficiency syndrome. Also called: Autosomal dominant cardiac arrhythmia (Kuhn). Identifiers: MedGen C5542154, MONDO:0020745, OMIM 115000.
Cardiovascular phenotype. Identifiers: MedGen CN230736.
Cardiomyopathy (CMYO). Also called: Cardiomyopathies. Identifiers: Orphanet 167848, MedGen C0878544, MONDO:0004994, HP:0001638. Inheritance: Various modes of inheritance.
Arrhythmogenic right ventricular dysplasia 2. Identifiers: MedGen C1832931.

Allele frequency attached by ClinVar (database versions not stated): gnomAD 0.00010 and 0.00017; TOPMed 0.00014; ExAC 0.00032; gnomAD exomes 0.00043 and 0.00009; 1000 Genomes Project 0.00160; ESP Exome Variant Server 0.00008; 1000 Genomes Project 30x 0.00187.
gnomAD v4.1: 174 of 1,613,858 alleles (0.011%); highest among the groups gnomAD compares: East Asian, 0.35%; 2 homozygotes.

Submissions (11):

Labcorp Genetics (formerly Invitae), Labcorp
Classification: Likely benign for Catecholaminergic polymorphic ventricular tachycardia 1. Last evaluated: 2026-01-31. Review status: criteria provided, single submitter. Criteria: Invitae Variant Classification Sherloc (09022015). Collection method: clinical testing. Allele origin: germline.

Women's Health and Genetics/Laboratory Corporation of America, LabCorp
Classification: Likely benign. Last evaluated: 2025-09-08. Review status: criteria provided, single submitter. Criteria: LabCorp Variant Classification Summary - May 2015. Collection method: clinical testing. Allele origin: germline.

Molecular Diagnostic Laboratory for Inherited Cardiovascular Disease, Montreal Heart Institute
Classification: Likely benign. Last evaluated: 2025-04-09. Review status: criteria provided, single submitter. Criteria: ACMG Guidelines, 2015. Collection method: clinical testing. Allele origin: germline. Affected: no.

Blueprint Genetics
Classification: Benign. Last evaluated: 2024-11-07. Review status: criteria provided, single submitter. Criteria: ACMG Guidelines, 2015. Collection method: clinical testing. Allele origin: germline.

Ambry Genetics
Classification: Likely benign for Cardiovascular phenotype. Last evaluated: 2019-04-01. Review status: criteria provided, single submitter. Criteria: Ambry Variant Classification Scheme 2023. Collection method: clinical testing. Allele origin: germline.

Color Diagnostics, LLC DBA Color Health
Classification: Benign for Cardiomyopathy. Last evaluated: 2018-09-04. Review status: criteria provided, single submitter. Criteria: ACMG Guidelines, 2015. Collection method: clinical testing. Allele origin: germline.

Illumina Laboratory Services, Illumina
Classification: Likely benign for Catecholaminergic polymorphic ventricular tachycardia 1. Last evaluated: 2018-01-12. Review status: criteria provided, single submitter. Criteria: ICSL Variant Classification Criteria 13 December 2019. Collection method: clinical testing. Allele origin: germline.
Comment: This variant was observed in the ICSL laboratory as part of a predisposition screen in an ostensibly healthy population. It had not been previously curated by ICSL or reported in the Human Gene Mutation Database (HGMD: prior to June 1st, 2018), and was therefore a candidate for classification through an automated scoring system. Utilizing variant allele frequency, disease prevalence and penetrance estimates, and inheritance mode, an automated score was calculated to assess if this variant is too frequent to cause the disease. Based on the score and internal cut-off values, a variant classified as likely benign is not then subjected to further curation. The score for this variant resulted in a classification of likely benign for this disease.

Illumina Laboratory Services, Illumina
Classification: Benign for Catecholaminergic polymorphic ventricular tachycardia 1. Last evaluated: 2018-01-12. Review status: criteria provided, single submitter. Criteria: ICSL Variant Classification Criteria 13 December 2019. Collection method: clinical testing. Allele origin: germline.
Comment: This variant was observed in the ICSL laboratory as part of a predisposition screen in an ostensibly healthy population. It had not been previously curated by ICSL or reported in the Human Gene Mutation Database (HGMD: prior to June 1st, 2018), and was therefore a candidate for classification through an automated scoring system. Utilizing variant allele frequency, disease prevalence and penetrance estimates, and inheritance mode, an automated score was calculated to assess if this variant is too frequent to cause the disease. Based on the score and internal cut-off values, a variant classified as benign is not then subjected to further curation. The score for this variant resulted in a classification of benign for this disease.

GeneDx
Classification: Likely benign. Last evaluated: 2016-12-07. Review status: criteria provided, single submitter. Criteria: GeneDx Variant Classification (06012015). Collection method: clinical testing. Allele origin: germline. Affected: yes.
Comment: This variant is considered likely benign or benign based on one or more of the following criteria: it is a conservative change, it occurs at a poorly conserved position in the protein, it is predicted to be benign by multiple in silico algorithms, and/or has population frequency not consistent with disease.

Center for Genomics, Ann and Robert H. Lurie Children's Hospital of Chicago
Classification: Uncertain significance for Catecholaminergic polymorphic ventricular tachycardia 1; Ventricular arrhythmias due to cardiac ryanodine receptor calcium release deficiency syndrome. Review status: criteria provided, single submitter. Criteria: ACMG Guidelines, 2015. Collection method: clinical testing. Allele origin: germline.
Comment: RYR2 NM_001035.2 exon 31 p.Ala1365Val (c.4094C>T): This variant has been reported in the literature in one sudden unexpected death case (Suktitipat 2017 PMID:28704380). This variant is also present in 0.5% (108/19490) of East Asian alleles in the Genome Aggregation Database, including 2 homozygotes and is present in ClinVar (Variation ID:201381). This variant amino acid Valine (Val) is present in several species including multiple mammals, and it is not well conserved among evolutionarily distant species; this suggests that this variant may not impact the protein. Additional computational prediction tools do not suggest an impact. In summary, data on this variant is insufficient for disease classification. Therefore, the clinical significance of this variant is uncertain.

Knight Diagnostic Laboratories, Oregon Health and Sciences University
Classification: Uncertain significance for Catecholaminergic polymorphic ventricular tachycardia 1. Last evaluated: 2016-01-27. Review status: no assertion criteria provided. Criteria: ACMG Guidelines, 2015. Collection method: clinical testing. Allele origin: germline. Affected: no. Study: CSER-NextGen. Not counted in ClinVar's aggregate classification.